The following is an entry in ClinVar:

NM_000321.3(RB1):c.1723C>T (p.Gln575Ter)

Gene: RB1 (RB transcriptional corepressor 1; plus strand). Cytogenetic location: 13q14.2.
Variant type: single nucleotide variant.
Coding change: c.1723C>T on transcript NM_000321.3 (MANE Select); coding-DNA position 1723, C replaced by T.
Protein change: p.Gln575Ter; replaces glutamine 575 with a stop codon.
Molecular consequence: nonsense.
Genome position (GRCh38, 1-based): chr13:48,453,020, C>T. VCF-style: chr13-48453020-C-T. GRCh37 (hg19) VCF-style: chr13-49027156-C-T.
Other names: L11910:g.150025C>T; short protein forms Q575*.
Identifiers: ClinVar variation 126784 (VCV000126784.8), dbSNP rs587778864, ClinGen allele CA026397.

ClinVar aggregate classification (germline): Pathogenic. Review status: criteria provided, multiple submitters, no conflicts (2 of 4 stars). 3 submissions from 3 submitters: Pathogenic (3). Last evaluated 2025-03-10.

Conditions:
Retinoblastoma (RB1). Also called: RETINOBLASTOMA, SOMATIC. Identifiers: Orphanet 790, MedGen C0035335, MeSH D012175, MONDO:0008380, OMIM 180200, HP:0009919. Disease mechanism: loss of function. Inheritance: Both sporadic and heritable forms are tested..

Submissions (3):

Institute of Medical Genetics and Applied Genomics, University Hospital Tübingen
Classification: Pathogenic for Retinoblastoma. Last evaluated: 2025-03-10. Review status: criteria provided, single submitter. Criteria: ACMG Guidelines, 2015. Collection method: clinical testing. Allele origin: germline. Inheritance: Autosomal dominant inheritance. Affected: yes.

Labcorp Genetics (formerly Invitae), Labcorp
Classification: Pathogenic for Retinoblastoma. Last evaluated: 2024-11-11. Review status: criteria provided, single submitter. Criteria: Invitae Variant Classification Sherloc (09022015). Collection method: clinical testing. Allele origin: germline.
Comment: This sequence change creates a premature translational stop signal (p.Gln575*) in the RB1 gene. It is expected to result in an absent or disrupted protein product. Loss-of-function variants in RB1 are known to be pathogenic (PMID: 17096365). This variant is not present in population databases (gnomAD no frequency). This premature translational stop signal has been observed in individual(s) with retinoblastoma (PMID: 8651278, 33456302). ClinVar contains an entry for this variant (Variation ID: 126784). For these reasons, this variant has been classified as Pathogenic.

Genetic Diagnostic Laboratory, University of Pennsylvania School of Medicine
Classification: Pathogenic for Retinoblastoma. Last evaluated: 2024-05-20. Review status: criteria provided, single submitter. Criteria: ACMG Guidelines, 2015. Collection method: clinical testing. Allele origin: germline. Affected: yes. Observed: 1 variant allele.
Comment: Case and Pedigree Information: BILATERAL CASES:1, UNILATERAL CASES:0, TOTAL CASES:1, PEDIGREES:1. ACMG Codes Applied:PVS1, PM2

Literature cited by the submitters: PubMed 17096365 (cited by Labcorp Genetics (formerly Invitae), Labcorp); PubMed 8651278 (cited by Labcorp Genetics (formerly Invitae), Labcorp); PubMed 33456302 (cited by Labcorp Genetics (formerly Invitae), Labcorp).